The following is an entry in ClinVar:

NM_001282116.2(RFX3):c.1968+94G>T

Gene: RFX3 (regulatory factor X3; minus strand). Cytogenetic location: 9p24.2.
Variant type: single nucleotide variant.
Coding change: c.1968+94G>T on transcript NM_001282116.2 (MANE Select); 94 bases into the intron after coding-DNA position 1968, G replaced by T.
Molecular consequence: intron variant. On other transcripts: missense variant (1).
Genome position (GRCh38, 1-based): chr9:3,247,938, C>A on the plus strand (G>T on the coding strand, the complement: RFX3 is on the minus strand). VCF-style: chr9-3247938-C-A. GRCh37 (hg19) VCF-style: chr9-3247938-C-A.
Other names: c.2062G>T, p.Val688Phe (NM_002919.4); c.1968+94G>T (NM_001377999.1, NM_134428.3); short protein forms V688F.
Identifiers: ClinVar variation 4881514 (VCV004881514.2).
Genomic context (GRCh38, chr9:3,247,938, plus strand): 5'-AAGGAACTCTTGCAATAACTCCACAGTCCCTCCTGGCTCTGAGGCTGACTTGGTTAGGAA[C>A]CATGGTTTTAATCAATAATGTATTTAGACTGAAGTGTAATTCTGGCTTATTTTTAATAAC-3'

ClinVar aggregate classification (germline): Uncertain significance (1 of 4 stars; one submission).

Conditions:
Complex neurodevelopmental disorder. Identifiers: Orphanet 528084, MedGen C5568766, MONDO:0100038.

gnomAD v4.1: 60 of 1,612,942 alleles (0.0037%); highest among the groups gnomAD compares: Middle Eastern, 0.016%; no homozygotes.

Submission:

Dasa
Classification: Uncertain significance for Complex neurodevelopmental disorder. Last evaluated: 2026-02-16. Review status: criteria provided, single submitter. Criteria: DASA Assertion Criteria. Collection method: clinical testing. Allele origin: germline.
Comment: NM_002919.4(RFX3):c.2062G>T (p.Val688Phe) is a missense variant that results in the substitution of valine with phenylalanine. This variant is rare in population databases. Computational prediction algorithms are consistent with a benign effect. The currently available literature and clinical evidence are not sufficient to establish a definitive association between this variant and the reported condition. Therefore, this variant is classified as a variant of uncertain significance.